The following is an entry in ClinVar:

ClinVar aggregate classification (germline): Uncertain significance (1 of 4 stars; one submission).

Conditions:
Muscular dystrophy-dystroglycanopathy type B6 (MDDGB6). Also called: MUSCULAR DYSTROPHY-DYSTROGLYCANOPATHY (CONGENITAL WITH IMPAIRED INTELLECTUAL DEVELOPMENT), TYPE B, 6; MUSCULAR DYSTROPHY, CONGENITAL, LARGE-RELATED; MUSCULAR DYSTROPHY, CONGENITAL, TYPE 1D. Identifiers: MedGen C1837229, MONDO:0012138, OMIM 608840.

Allele frequency attached by ClinVar (database versions not stated): gnomAD exomes below 0.00001.
gnomAD v4.1: 2 of 1,593,622 alleles (0.00013%); highest among the groups gnomAD compares: Non-Finnish European, 0.00017%; no homozygotes.

Submission:

Labcorp Genetics (formerly Invitae), Labcorp
Classification: Uncertain significance for Muscular dystrophy-dystroglycanopathy type B6. Last evaluated: 2018-09-24. Review status: criteria provided, single submitter. Criteria: Invitae Variant Classification Sherloc (09022015). Collection method: clinical testing. Allele origin: germline.
Comment: In summary, the available evidence is currently insufficient to determine the role of this variant in disease. Therefore, it has been classified as a Variant of Uncertain Significance. Algorithms developed to predict the effect of missense changes on protein structure and function are either unavailable or do not agree on the potential impact of this missense change (SIFT: "Tolerated"; PolyPhen-2: "Possibly Damaging"; Align-GVGD: "Class C0"). This variant has not been reported in the literature in individuals with LARGE1-related disease. This variant is not present in population databases (ExAC no frequency). This sequence change replaces glutamine with arginine at codon 486 of the LARGE1 protein (p.Gln486Arg). The glutamine residue is highly conserved and there is a small physicochemical difference between glutamine and arginine.

NM_133642.5(LARGE1):c.1457A>G (p.Gln486Arg)

Gene: LARGE1 (LARGE xylosyl- and glucuronyltransferase 1; minus strand). Cytogenetic location: 22q12.3.
Variant type: single nucleotide variant.
Coding change: c.1457A>G on transcript NM_133642.5 (MANE Select); coding-DNA position 1457, A replaced by G.
Protein change: p.Gln486Arg; replaces glutamine 486 with arginine.
Molecular consequence: missense variant.
Genome position (GRCh38, 1-based): chr22:33,304,502, T>C on the plus strand (A>G on the coding strand, the complement: LARGE1 is on the minus strand). VCF-style: chr22-33304502-T-C. GRCh37 (hg19) VCF-style: chr22-33700488-T-C.
Other names: c.1457A>G, p.Gln486Arg (NM_001362949.2, NM_001362951.2, NM_001362953.2 and 6 more transcripts); c.1301A>G, p.Gln434Arg (NM_001378629.1); c.854A>G, p.Gln285Arg (NM_001378630.1); c.698A>G, p.Gln233Arg (NM_001378631.1); short protein forms Q486R, Q233R, Q285R, Q434R.
Identifiers: ClinVar variation 660773 (VCV000660773.9), dbSNP rs925299001, ClinGen allele CA323711562.